The following is an entry in ClinVar:

NM_001199397.3(NEK1):c.1958G>A (p.Arg653Gln)

Gene: NEK1 (NIMA related kinase 1; minus strand). Cytogenetic location: 4q33.
Variant type: single nucleotide variant.
Coding change: c.1958G>A on transcript NM_001199397.3 (MANE Select); coding-DNA position 1958, G replaced by A.
Protein change: p.Arg653Gln; replaces arginine 653 with glutamine.
Molecular consequence: missense variant. On other transcripts: non-coding transcript variant (1), intron variant (1).
Genome position (GRCh38, 1-based): chr4:169,507,086, C>T on the plus strand (G>A on the coding strand, the complement: NEK1 is on the minus strand). VCF-style: chr4-169507086-C-T. GRCh37 (hg19) VCF-style: chr4-170428237-C-T.
Other names: c.1874G>A (NM_012224.2); c.1823G>A, p.Arg608Gln (NM_001374420.1); c.1874G>A, p.Arg625Gln (NM_012224.4, NM_001374419.1); c.1701+629G>A (NM_001374421.1); c.1826G>A, p.Arg609Gln (NM_001199398.3); c.1667G>A, p.Arg556Gln (NM_001199399.3); c.1742G>A, p.Arg581Gln (NM_001199400.3); c.1958G>A, p.Arg653Gln (NM_001374418.1); short protein forms R556Q, R581Q, R608Q, R653Q, R609Q, R625Q.
Identifiers: ClinVar variation 2726000 (VCV002726000.5), dbSNP rs1052644417, ClinGen allele CA109906504.
Genomic context (GRCh38, chr4:169,507,086, plus strand): 5'-CTAAATCTTACATGCTCTTCCCACACTTTTTTTTCTCTCTCATAAGCCTCCTTTCTCTTT[C>T]GTTCTAGTTGTTCTTTTAGTACAGCAGCACGTGCATTTGCATGGGCCTAAAAATAAAAAC-3'
Protein context (NP_001186326.1, residues 643-663): RAAVLKEQLE[Arg653Gln]KRKEAYEREK

ClinVar aggregate classification (germline): Conflicting classifications of pathogenicity. Review status: criteria provided, conflicting classifications (1 of 4 stars). 3 submissions from 3 submitters: Uncertain significance (2); Likely benign (1). Last evaluated 2026-07-01.

Conditions:
Inborn genetic diseases. Identifiers: MedGen C0950123, MeSH D030342.
Short-rib thoracic dysplasia 6 with or without polydactyly (SRTD6). Also called: SHORT RIB-POLYDACTYLY SYNDROME, TYPE IIA; SHORT-RIB THORACIC DYSPLASIA 6 WITH POLYDACTYLY; SHORT-RIB THORACIC DYSPLASIA 6 WITHOUT POLYDACTYLY; Majewski Syndrome; POLYDACTYLY WITH NEONATAL CHONDRODYSTROPHY, TYPE II. Identifiers: MedGen C0024507, MONDO:0009894, OMIM 263520.

Allele frequency attached by ClinVar (database versions not stated): TOPMed 0.00001.
gnomAD v4.1: 12 of 1,608,832 alleles (0.00075%); highest among the groups gnomAD compares: Admixed American, 0.005%; no homozygotes.

Submissions (3):

CeGaT Center for Human Genetics Tuebingen
Classification: Likely benign. Last evaluated: 2026-07-01. Review status: criteria provided, single submitter. Criteria: CeGaT Center For Human Genetics Tuebingen Variant Classification Criteria Version 2. Collection method: clinical testing. Allele origin: germline. Affected: yes. Observed: 1 variant allele.
Comment: NEK1: BP4

Ambry Genetics
Classification: Uncertain significance for Inborn genetic diseases. Last evaluated: 2025-05-16. Review status: criteria provided, single submitter. Criteria: Ambry Variant Classification Scheme 2023. Collection method: clinical testing. Allele origin: germline.

Labcorp Genetics (formerly Invitae), Labcorp
Classification: Uncertain significance for Short-rib thoracic dysplasia 6 with or without polydactyly. Last evaluated: 2023-06-02. Review status: criteria provided, single submitter. Criteria: Invitae Variant Classification Sherloc (09022015). Collection method: clinical testing. Allele origin: germline.
Comment: In summary, the available evidence is currently insufficient to determine the role of this variant in disease. Therefore, it has been classified as a Variant of Uncertain Significance. Advanced modeling of protein sequence and biophysical properties (such as structural, functional, and spatial information, amino acid conservation, physicochemical variation, residue mobility, and thermodynamic stability) performed at Invitae indicates that this missense variant is not expected to disrupt NEK1 protein function. This variant has not been reported in the literature in individuals affected with NEK1-related conditions. This variant is present in population databases (no rsID available, gnomAD 0.006%). This sequence change replaces arginine, which is basic and polar, with glutamine, which is neutral and polar, at codon 625 of the NEK1 protein (p.Arg625Gln).